The following is an entry in ClinVar:

ClinVar aggregate classification (germline): Uncertain significance (1 of 4 stars; one submission).

Submission:

Ambry Genetics
Classification: Uncertain significance. Last evaluated: 2024-05-16. Review status: criteria provided, single submitter. Criteria: Ambry Variant Classification Scheme 2023. Collection method: clinical testing. Allele origin: germline.
Comment: The p.L860V variant (also known as c.2578C>G), located in coding exon 4 of the ALPK2 gene, results from a C to G substitution at nucleotide position 2578. The leucine at codon 860 is replaced by valine, an amino acid with highly similar properties. This amino acid position is conserved. In addition, this alteration is predicted to be tolerated by in silico analysis. Based on the available evidence, the clinical significance of this variant remains unclear.

NM_052947.4(ALPK2):c.2578C>G (p.Leu860Val)

Gene: ALPK2 (alpha kinase 2; minus strand). Cytogenetic location: 18q21.31.
Variant type: single nucleotide variant.
Coding change: c.2578C>G on transcript NM_052947.4 (MANE Select); coding-DNA position 2578, C replaced by G.
Protein change: p.Leu860Val; replaces leucine 860 with valine.
Molecular consequence: missense variant.
Genome position (GRCh38, 1-based): chr18:58,537,609, G>C on the plus strand (C>G on the coding strand, the complement: ALPK2 is on the minus strand). VCF-style: chr18-58537609-G-C. GRCh37 (hg19) VCF-style: chr18-56204841-G-C.
Other names: short protein forms L860V.
Identifiers: ClinVar variation 3289014 (VCV003289014.1).